The following is an entry in ClinVar:

NM_001081.4(CUBN):c.8755+2T>C

Gene: CUBN (cubilin; minus strand). Cytogenetic location: 10p13.
Variant type: single nucleotide variant.
Coding change: c.8755+2T>C on transcript NM_001081.4 (MANE Select); the canonical splice donor site of the intron after coding-DNA position 8755, T replaced by C.
Molecular consequence: splice donor variant.
Genome position (GRCh38, 1-based): chr10:16,890,369, A>G on the plus strand (T>C on the coding strand, the complement: CUBN is on the minus strand). VCF-style: chr10-16890369-A-G. GRCh37 (hg19) VCF-style: chr10-16932368-A-G.
Identifiers: ClinVar variation 2733542 (VCV002733542.3), dbSNP rs375789806, ClinGen allele CA5422927.
Genomic context (GRCh38, chr10:16,890,369, plus strand): 5'-GCCTGCCTGTGACAACCACACTCCCGCAAAGACCTCTGGGTTTGGTTCTTAGGGCTACTT[A>G]CGGCTAACAAAGGACGCGGAGAAGCCCTGAGCTGGTGCCTCCTGAGACTGGAAGACGGCA-3'

ClinVar aggregate classification (germline): Likely pathogenic (1 of 4 stars; one submission).

Conditions:
Imerslund-Grasbeck syndrome. Also called: Imerslund-Gräsbeck syndrome; PERNICIOUS ANEMIA, JUVENILE, DUE TO SELECTIVE INTESTINAL MALABSORPTION OF VITAMIN B12, WITH PROTEINURIA; ENTEROCYTE COBALAMIN MALABSORPTION; ENTEROCYTE INTRINSIC FACTOR RECEPTOR, DEFECT OF; Megaloblastic anemia due to inborn errors of metabolism. Identifiers: Orphanet 35858, MedGen C4551825, MONDO:0009853.

Allele frequency attached by ClinVar (database versions not stated): gnomAD exomes 0.00003; gnomAD 0.00001; ExAC 0.00002; TOPMed 0.00001; ESP Exome Variant Server 0.00015.
gnomAD v4.1: 42 of 1,612,454 alleles (0.0026%); highest among the groups gnomAD compares: Admixed American, 0.0083%; no homozygotes.

Submission:

Labcorp Genetics (formerly Invitae), Labcorp
Classification: Likely pathogenic for Imerslund-Grasbeck syndrome. Last evaluated: 2025-12-13. Review status: criteria provided, single submitter. Criteria: Invitae Variant Classification Sherloc (09022015). Collection method: clinical testing. Allele origin: germline.
Comment: This sequence change affects a donor splice site in intron 55 of the CUBN gene. It is expected to disrupt RNA splicing. Variants that disrupt the donor or acceptor splice site typically lead to a loss of protein function (PMID: 16199547), and loss-of-function variants in CUBN are known to be pathogenic (PMID: 15024727, 22929189, 25349199, 31613795, 34979989). This variant is present in population databases (rs375789806, gnomAD 0.01%). This variant has not been reported in the literature in individuals affected with CUBN-related conditions. ClinVar contains an entry for this variant (Variation ID: 2733542). Algorithms developed to predict the effect of sequence changes on RNA splicing suggest that this variant may disrupt the consensus splice site. In summary, the currently available evidence indicates that the variant is pathogenic, but additional data are needed to prove that conclusively. Therefore, this variant has been classified as Likely Pathogenic.

Literature cited by the submitters: PubMed 16199547; PubMed 15024727; PubMed 22929189; PubMed 25349199; PubMed 31613795; PubMed 34979989.